The following is an entry in ClinVar:

ClinVar aggregate classification (germline): Pathogenic/Likely pathogenic. Review status: criteria provided, multiple submitters, no conflicts (2 of 4 stars). 4 submissions from 4 submitters: Pathogenic (2); Likely pathogenic (1). 1 of the submissions does not count toward it. Last evaluated 2026-03-15.

Conditions:
Familial long QT syndrome (RWS). Also called: Congenital long QT syndrome; Romano-Ward syndrome; VENTRICULAR FIBRILLATION WITH PROLONGED QT INTERVAL. Identifiers: Orphanet 768, MedGen C1141890, MONDO:0019171.
Long QT syndrome 2 (LQT2). Identifiers: Orphanet 101016, Orphanet 768, MedGen C3150943, MONDO:0013367, OMIM 613688.

Submissions (4):

Clinical Genomics Laboratory, Washington University in St. Louis
Classification: Pathogenic for Long QT syndrome 2. Last evaluated: 2026-03-15. Review status: criteria provided, single submitter. Criteria: ACMG Guidelines, 2015. Collection method: clinical testing. Allele origin: germline. Affected: yes.
Comment: The KCNH2 c.1876G>A (p.Gly626Ser) variant has been reported in five affected individuals with long QT syndrome and is reported to segregate with disease in two unrelated families (Jahr S et al., PMID: 10862104; Splawski I et al., PMID: 10973849). This variant is absent from the general population (gnomAD v4.1.0), indicating it is not a common variant. Computational predictors indicate that the variant is damaging, evidence that correlates with impact to KCNH2 function. This is supported by functional studies that show a trafficking-deficient protein, indicating that this variant impacts protein function (Anderson CL et al., PMID: 25417810). This variant has been reported in the ClinVar database as a germline pathogenic and likely pathogenic variant by one submitter each. Based on available information and the ACMG/AMP guidelines for variant interpretation (Richards S et al., PMID: 25741868), this variant is classified as pathogenic.

GeneDx
Classification: Pathogenic. Last evaluated: 2019-12-27. Review status: criteria provided, single submitter. Criteria: GeneDx Variant Classification Process June 2021. Collection method: clinical testing. Allele origin: germline. Affected: yes.
Comment: Variant reported in association with LQTS in the published literature (Splawski et al., 2000); Reported in ClinVar as likely pathogenic (ClinVar Variant ID# 67304; Landrum et al., 2016); Not observed in large population cohorts (Lek et al., 2016); Published functional studies in HEK293 cells demonstrate G626S results in a trafficking-deficient protein (Anderson et al., 2014); In silico analysis, which includes protein predictors and evolutionary conservation, supports a deleterious effect; This variant is associated with the following publications: (PMID: 10862104, 10973849, 25417810)

Center for Medical Genetics Ghent, University of Ghent
Classification: Likely pathogenic for Long QT syndrome 2. Last evaluated: 2016-01-01. Review status: criteria provided, single submitter. Criteria: ACMG Guidelines, 2015. Collection method: clinical testing. Allele origin: germline. Affected: yes.

Cardiovascular Biomedical Research Unit, Royal Brompton & Harefield NHS Foundation Trust
No classification provided. Condition: Familial long QT syndrome. Review status: no classification provided. Collection method: literature only. Allele origin: germline. Not counted in ClinVar's aggregate classification.
Comment: This variant has been reported as associated with Long QT syndrome in the following publications (PMID:10862104;PMID:10973849). This is a literature report, and does not necessarily reflect the clinical interpretation of the Imperial College / Royal Brompton Cardiovascular Genetics laboratory.

Literature cited by the submitters: PubMed 10862104 (cited by Cardiovascular Biomedical Research Unit, Royal Brompton & Harefield NHS Foundation Trust); PubMed 10973849 (cited by Cardiovascular Biomedical Research Unit, Royal Brompton & Harefield NHS Foundation Trust); PubMed 22581653 (cited by Cardiovascular Biomedical Research Unit, Royal Brompton & Harefield NHS Foundation Trust).

NM_000238.4(KCNH2):c.1876G>A (p.Gly626Ser)

Gene: KCNH2 (potassium voltage-gated channel subfamily H member 2; minus strand). Cytogenetic location: 7q36.1.
Variant type: single nucleotide variant.
Coding change: c.1876G>A on transcript NM_000238.4 (MANE Select); coding-DNA position 1876, G replaced by A.
Protein change: p.Gly626Ser; replaces glycine 626 with serine.
Molecular consequence: missense variant.
Genome position (GRCh38, 1-based): chr7:150,951,517, C>T on the plus strand (G>A on the coding strand, the complement: KCNH2 is on the minus strand). VCF-style: chr7-150951517-C-T. GRCh37 (hg19) VCF-style: chr7-150648605-C-T.
Other names: c.1876G>A (LRG_288t1); c.856G>A, p.Gly286Ser (NM_001204798.2, NM_172057.3); c.1588G>A, p.Gly530Ser (NM_001406753.1, NM_001406756.1); c.1699G>A, p.Gly567Ser (NM_001406755.1); c.1576G>A, p.Gly526Ser (NM_001406757.1); c.1876G>A, p.Gly626Ser (NM_172056.3); short protein forms G286S, G626S, G567S, G530S, G526S.
Identifiers: ClinVar variation 67304 (VCV000067304.7), dbSNP rs199472953, ClinGen allele CA005743.